The following is an entry in ClinVar:

ClinVar aggregate classification (germline): Pathogenic. Review status: reviewed by expert panel (3 of 4 stars). 2 submissions from 2 submitters: Pathogenic (1). 1 of the submissions does not count toward it. Last evaluated 2016-10-18.

Conditions:
Breast-ovarian cancer, familial, susceptibility to, 1 (BROVCA1). Also called: BRCA1 Hereditary Breast and Ovarian Cancer; OVARIAN CANCER, SUSCEPTIBILITY TO. Identifiers: Orphanet 145, MedGen C2676676, MONDO:0011450, OMIM 604370. Disease mechanism: loss of function.

Submissions (2):

Evidence-based Network for the Interpretation of Germline Mutant Alleles (ENIGMA)
Classification: Pathogenic for Breast-ovarian cancer, familial, susceptibility to, 1. Last evaluated: 2016-10-18. Review status: reviewed by expert panel. Criteria: ENIGMA BRCA1/2 Classification Criteria (2015). Collection method: curation. Allele origin: germline.
Comment: Variant allele predicted to encode a truncated non-functional protein.

Consortium of Investigators of Modifiers of BRCA1/2 (CIMBA), c/o University of Cambridge
Classification: Pathogenic for Breast-ovarian cancer, familial, susceptibility to, 1. Last evaluated: 2015-10-02. Review status: criteria provided, single submitter. Criteria: CIMBA Mutation Classification guidelines May 2016. Collection method: clinical testing. Allele origin: germline. Not counted in ClinVar's aggregate classification.

NM_007294.4(BRCA1):c.1277C>A (p.Ser426Ter)

Gene: BRCA1 (BRCA1 DNA repair associated; minus strand). Cytogenetic location: 17q21.31.
Variant type: single nucleotide variant.
Coding change: c.1277C>A on transcript NM_007294.4 (MANE Select); coding-DNA position 1277, C replaced by A.
Protein change: p.Ser426Ter; replaces serine 426 with a stop codon.
Molecular consequence: nonsense. On other transcripts: intron variant (137).
Genome position (GRCh38, 1-based): chr17:43,094,254, G>T on the plus strand (C>A on the coding strand, the complement: BRCA1 is on the minus strand). VCF-style: chr17-43094254-G-T. GRCh37 (hg19) VCF-style: chr17-41246271-G-T.
Other names: 1396C>A (S426X); c.1154C>A, p.Ser385Ter (NM_001407675.1, NM_001407676.1, NM_001407863.1 and 19 more transcripts); c.1151C>A, p.Ser384Ter (NM_001407687.1, NM_001407688.1, NM_001407689.1 and 11 more transcripts); c.1136C>A, p.Ser379Ter (NM_001407692.1, NM_001407694.1, NM_001407695.1 and 29 more transcripts); c.1133C>A, p.Ser378Ter (NM_001407740.1, NM_001407838.1, NM_001407839.1 and 20 more transcripts); c.1277C>A, p.Ser426Ter (NM_001407859.1, NM_007300.4, NM_001407617.1 and 30 more transcripts); c.1274C>A, p.Ser425Ter (NM_001407860.1, NM_001407861.1, NM_001407636.1 and 22 more transcripts); c.1076C>A, p.Ser359Ter (NM_001407862.1); and 41 more; short protein forms S426*, S379*, S298*, S338*, S378*, S130*, S258*, S314*.
Identifiers: ClinVar variation 266152 (VCV000266152.6), dbSNP rs886039939, ClinGen allele CA10589952.